The following is an entry in ClinVar:

NM_005733.3(KIF20A):c.893G>A (p.Arg298His)

Gene: KIF20A (kinesin family member 20A; plus strand). Cytogenetic location: 5q31.2.
Variant type: single nucleotide variant.
Coding change: c.893G>A on transcript NM_005733.3 (MANE Select); coding-DNA position 893, G replaced by A.
Protein change: p.Arg298His; replaces arginine 298 with histidine.
Molecular consequence: missense variant.
Genome position (GRCh38, 1-based): chr5:138,183,229, G>A. VCF-style: chr5-138183229-G-A. GRCh37 (hg19) VCF-style: chr5-137518918-G-A.
Other names: short protein forms R298H.
Identifiers: ClinVar variation 2408916 (VCV002408916.6), dbSNP rs144155991, ClinGen allele CA3426439.

ClinVar aggregate classification (germline): Uncertain significance. Review status: criteria provided, multiple submitters, no conflicts (2 of 4 stars). 3 submissions from 3 submitters: Uncertain significance (3). Last evaluated 2024-01-26.

Allele frequency attached by ClinVar (database versions not stated): ESP Exome Variant Server 0.00015.

Submissions (3):

Labcorp Genetics (formerly Invitae), Labcorp
Classification: Uncertain significance. Last evaluated: 2024-01-26. Review status: criteria provided, single submitter. Criteria: Invitae Variant Classification Sherloc (09022015). Collection method: clinical testing. Allele origin: germline.
Comment: This sequence change replaces arginine, which is basic and polar, with histidine, which is basic and polar, at codon 298 of the KIF20A protein (p.Arg298His). This variant is present in population databases (rs144155991, gnomAD 0.003%). This variant has not been reported in the literature in individuals affected with KIF20A-related conditions. ClinVar contains an entry for this variant (Variation ID: 2408916). Algorithms developed to predict the effect of missense changes on protein structure and function output the following: SIFT: "Not Available"; PolyPhen-2: "Benign"; Align-GVGD: "Not Available". The histidine amino acid residue is found in multiple mammalian species, which suggests that this missense change does not adversely affect protein function. In summary, the available evidence is currently insufficient to determine the role of this variant in disease. Therefore, it has been classified as a Variant of Uncertain Significance.

Ambry Genetics
Classification: Uncertain significance. Last evaluated: 2022-05-04. Review status: criteria provided, single submitter. Criteria: Ambry Variant Classification Scheme 2023. Collection method: clinical testing. Allele origin: germline.

Breakthrough Genomics
Classification: Uncertain significance. Review status: criteria provided, single submitter. Criteria: ACMG Guidelines, 2015. Collection method: not provided. Allele origin: germline. Inheritance: Autosomal recessive inheritance. Affected: yes.